The following is an entry in ClinVar:

NM_006231.4(POLE):c.3322C>T (p.His1108Tyr)

Gene: POLE (DNA polymerase epsilon, catalytic subunit; minus strand). Cytogenetic location: 12q24.33.
Variant type: single nucleotide variant.
Coding change: c.3322C>T on transcript NM_006231.4 (MANE Select); coding-DNA position 3322, C replaced by T.
Protein change: p.His1108Tyr; replaces histidine 1108 with tyrosine.
Molecular consequence: missense variant.
Genome position (GRCh38, 1-based): chr12:132,657,924, G>A on the plus strand (C>T on the coding strand, the complement: POLE is on the minus strand). VCF-style: chr12-132657924-G-A. GRCh37 (hg19) VCF-style: chr12-133234510-G-A.
Other names: short protein forms H1108Y.
Identifiers: ClinVar variation 1730213 (VCV001730213.2), dbSNP rs2042582840, ClinGen allele CA387389696.

ClinVar aggregate classification (germline): Uncertain significance (1 of 4 stars; one submission).

Conditions:
Hereditary cancer-predisposing syndrome. Also called: Neoplastic Syndromes, Hereditary; Tumor predisposition; Hereditary Cancer Syndrome; Hereditary neoplastic syndrome. Identifiers: Orphanet 140162, MedGen C0027672, MeSH D009386, MONDO:0015356.

Submission:

Ambry Genetics
Classification: Uncertain significance for Hereditary cancer-predisposing syndrome. Last evaluated: 2021-12-18. Review status: criteria provided, single submitter. Criteria: Ambry Variant Classification Scheme 2023. Collection method: clinical testing. Allele origin: germline.
Comment: The p.H1108Y variant (also known as c.3322C>T), located in coding exon 27 of the POLE gene, results from a C to T substitution at nucleotide position 3322. The histidine at codon 1108 is replaced by tyrosine, an amino acid with similar properties. This amino acid position is conserved. In addition, the in silico prediction for this alteration is inconclusive. Since supporting evidence is limited at this time, the clinical significance of this alteration remains unclear.